The following is an entry in ClinVar:

NC_012920.1(MT-ND2):m.5293G>A

Gene: MT-ND2 (mitochondrially encoded NADH dehydrogenase 2; plus strand).
Variant type: single nucleotide variant.
Genome position: chrM-5293-G-A.
Identifiers: ClinVar variation 692567 (VCV000692567.2), dbSNP rs28690990, ClinGen allele CA414779707.

ClinVar aggregate classification (germline): Likely benign. Review status: reviewed by expert panel (3 of 4 stars). 2 submissions from 2 submitters: Likely benign (1). 1 of the submissions does not count toward it. Last evaluated 2022-03-24.

Conditions:
Leigh syndrome (NULS). Also called: Leigh's syndrome; Leigh Disease; Subacute necrotizing encephalopathy; Necrotizing encephalopathy infantile subacute of Leigh; LEIGH SYNDROME, NUCLEAR; Leigh's necrotizing encephalopathy. Identifiers: Orphanet 506, MedGen C2931891, MONDO:0009723, OMIM 256000.
Mitochondrial disease. Also called: Mitochondrial disorder; Mitochondrial disorders. Identifiers: Orphanet 68380, MedGen C0751651, MeSH D028361, MONDO:0044970.

Submissions (2):

ClinGen Mitochondrial Disease Nuclear and Mitochondrial  Variant Curation Expert Panel, ClinGen
Classification: Likely benign for Mitochondrial disease. Last evaluated: 2022-03-24. Review status: reviewed by expert panel. Criteria: clingen mito disease acmg specifications v1-1. Collection method: curation. Allele origin: germline. Inheritance: Mitochondrial inheritance.
Comment: The m.5293G>A (p.S275N) variant in MT-ND2 was reviewed by the Mitochondrial Disease Nuclear and Mitochondrial Variant Curation Expert Panel as part of the variant pilot for mitochondrial DNA variant specifications (McCormick et al., 2020; PMID: 32906214). This variant is present in 1/49,487 sequences (1/509 in H1c) in Genbank per MITOMAP queried 10/29/2019. This variant is seen at homoplasmy in a proband, healthy brother, and healthy mother (PMID: 23813926). The proband had a pathogenic mtDNA variant, m.14487T>C, present at high heteroplasmy levels (BP2). Of note, this family is haplogroup H1 as is report in GenBank sequences. Additionally, the computational predictor APOGEE gives a consensus rating of neutral with a low pathogenicity predictor score, 0.46 (Min=0, Max=1), evidence that does not predict a damaging effect on gene function (BP4). In summary, this variant meets criteria to be classified as likely benign. This classification was approved by the NICHD U24 Mitochondrial Disease Variant Curation Expert Panel as of August 20, 2020. Mitochondrial DNA-specific ACMG/AMP criteria applied: BP2, BP4.

Wong Mito Lab, Molecular and Human Genetics, Baylor College of Medicine
Classification: Likely benign for Leigh syndrome. Last evaluated: 2019-10-17. Review status: criteria provided, single submitter. Criteria: Modified ACMG Guidelines (Unpublished). Collection method: clinical testing. Allele origin: germline. Not counted in ClinVar's aggregate classification.
Comment: The NC_012920.1:m.5293G>A (YP_003024027.1:p.Ser275Asn) variant in MTND2 gene is interpretated to be a Likely Benign variant based on the modified ACMG guidelines (unpublished). This variant meets the following evidence codes: BS4, BP4, BP6